The following is an entry in ClinVar:

ClinVar aggregate classification (germline): Pathogenic (1 of 4 stars; one submission).

Allele frequency attached by ClinVar (database versions not stated): gnomAD 0.00001; TOPMed 0.00002.

Submission:

Labcorp Genetics (formerly Invitae), Labcorp
Classification: Pathogenic. Last evaluated: 2022-04-24. Review status: criteria provided, single submitter. Criteria: Invitae Variant Classification Sherloc (09022015). Collection method: clinical testing. Allele origin: germline.
Comment: For these reasons, this variant has been classified as Pathogenic. This variant has not been reported in the literature in individuals affected with NBAS-related conditions. This variant is not present in population databases (gnomAD no frequency). This sequence change creates a premature translational stop signal (p.Arg1886Valfs*11) in the NBAS gene. It is expected to result in an absent or disrupted protein product. Loss-of-function variants in NBAS are known to be pathogenic (PMID: 26073778, 26541327, 27789416, 28031453).

Literature cited by the submitters: PubMed 26073778; PubMed 26541327; PubMed 27789416; PubMed 28031453.

NM_015909.4(NBAS):c.5656del (p.Arg1886fs)

Gene: NBAS (NBAS subunit of NRZ tethering complex; minus strand). Cytogenetic location: 2p24.3.
Variant type: Deletion.
Coding change: c.5656del on transcript NM_015909.4 (MANE Select); coding-DNA position 5656, one base deleted (C; older notation c.5656delC).
Protein change: p.Arg1886fs; shifts the reading frame from arginine 1886.
Molecular consequence: frameshift variant. On other transcripts: non-coding transcript variant (1).
Genome position (GRCh38, 1-based): chr2:15,275,552, G deleted on the plus strand (C on the coding strand, the reverse complement: NBAS is on the minus strand). VCF-style (leftmost placement, unchanged base first): chr2-15275551-CG-C. GRCh37 (hg19) VCF-style: chr2-15415675-CG-C.
Other names: short protein forms R1886fs.
Identifiers: ClinVar variation 1982862 (VCV001982862.4), dbSNP rs1377754508, ClinGen allele CA758977779.